The following is an entry in ClinVar:

ClinVar aggregate classification (germline): Uncertain significance. Review status: criteria provided, multiple submitters, no conflicts (2 of 4 stars). 5 submissions from 5 submitters: Uncertain significance (5). Last evaluated 2025-10-22.

Conditions:
Short-rib thoracic dysplasia 14 with polydactyly (SRTD14). Identifiers: Orphanet 397715, MedGen C4225286, MONDO:0014688, OMIM 616546.
Joubert syndrome 23 (JBTS23). Identifiers: Orphanet 475, MedGen C4084822, MONDO:0014664, OMIM 616490.
Inborn genetic diseases. Identifiers: MedGen C0950123, MeSH D030342.

Allele frequency attached by ClinVar (database versions not stated): ESP Exome Variant Server 0.00008; gnomAD 0.00009 and 0.00010; gnomAD exomes 0.00009; ExAC 0.00011; TOPMed 0.00011.
gnomAD v4.1: 188 of 1,609,006 alleles (0.012%); highest among the groups gnomAD compares: Non-Finnish European, 0.015%; no homozygotes.

Submissions (5):

Ambry Genetics
Classification: Uncertain significance for Inborn genetic diseases. Last evaluated: 2025-10-22. Review status: criteria provided, single submitter. Criteria: Ambry Variant Classification Scheme 2023. Collection method: clinical testing. Allele origin: germline.

Blueprint Genetics
Classification: Uncertain significance. Last evaluated: 2024-07-15. Review status: criteria provided, single submitter. Criteria: ACMG Guidelines, 2015. Collection method: clinical testing. Allele origin: germline.

Labcorp Genetics (formerly Invitae), Labcorp
Classification: Uncertain significance for Joubert syndrome 23; Short-rib thoracic dysplasia 14 with polydactyly. Last evaluated: 2022-08-08. Review status: criteria provided, single submitter. Criteria: Invitae Variant Classification Sherloc (09022015). Collection method: clinical testing. Allele origin: germline.
Comment: This sequence change replaces arginine, which is basic and polar, with serine, which is neutral and polar, at codon 413 of the KIAA0586 protein (p.Arg413Ser). This variant is present in population databases (rs200094677, gnomAD 0.01%). This variant has not been reported in the literature in individuals affected with KIAA0586-related conditions. ClinVar contains an entry for this variant (Variation ID: 432994). Algorithms developed to predict the effect of missense changes on protein structure and function output the following: SIFT: "Tolerated"; PolyPhen-2: "Possibly Damaging"; Align-GVGD: "Class C0". The serine amino acid residue is found in multiple mammalian species, which suggests that this missense change does not adversely affect protein function. In summary, the available evidence is currently insufficient to determine the role of this variant in disease. Therefore, it has been classified as a Variant of Uncertain Significance.

Mayo Clinic Laboratories, Mayo Clinic
Classification: Uncertain significance for Joubert syndrome 23. Last evaluated: 2018-01-11. Review status: criteria provided, single submitter. Criteria: ACMG Guidelines, 2015. Collection method: clinical testing. Allele origin: paternal.

GeneDx
Classification: Uncertain significance. Last evaluated: 2017-06-29. Review status: criteria provided, single submitter. Criteria: GeneDx Variant Classification (06012015). Collection method: clinical testing. Allele origin: germline. Affected: yes.
Comment: The R413S variant in the KIAA0586 gene has not been reported previously as a pathogenic variant, nor as a benign variant, to our knowledge. The R413S variant is not observed in the homozygous state or at a significant frequency in large population cohorts (Lek et al., 2016; 1000 Genomes Consortium et al., 2015; Exome Variant Server). The R413S variant is a semi-conservative amino acid substitution, which may impact secondary protein structure as these residues differ in some properties. This substitution occurs at a position that is not conserved and in silico analysis is inconsistent in its predictions as to whether or not the variant is damaging to the protein structure/function. We interpret R413S as a variant of uncertain significance.

NM_001329943.3(KIAA0586):c.1080G>C (p.Arg360Ser)

Gene: KIAA0586 (KIAA0586; plus strand). Cytogenetic location: 14q23.1.
Variant type: single nucleotide variant.
Coding change: c.1080G>C on transcript NM_001329943.3 (MANE Select); coding-DNA position 1080, G replaced by C.
Protein change: p.Arg360Ser; replaces arginine 360 with serine.
Molecular consequence: missense variant.
Genome position (GRCh38, 1-based): chr14:58,450,697, G>C. VCF-style: chr14-58450697-G-C. GRCh37 (hg19) VCF-style: chr14-58917415-G-C.
Other names: c.1080G>C (NM_014749.3); c.1239G>C, p.Arg413Ser (NM_001244189.2); c.1035G>C, p.Arg345Ser (NM_001244190.2); c.825G>C, p.Arg275Ser (NM_001244191.2, NM_001329945.2, NM_001364700.1 and 1 more transcripts); c.948G>C, p.Arg316Ser (NM_001244192.2); c.660G>C, p.Arg220Ser (NM_001244193.2); c.1080G>C, p.Arg360Ser (NM_001329944.2, NM_001329946.2, NM_001329947.2 and 1 more transcripts); short protein forms R360S, R413S, R316S, R275S, R345S, R220S.
Identifiers: ClinVar variation 432994 (VCV000432994.12), dbSNP rs200094677, ClinGen allele CA7205547.